The following is an entry in ClinVar:

ClinVar aggregate classification (germline): Uncertain significance (1 of 4 stars; one submission).

Conditions:
Progressive myoclonic epilepsy type 5. Identifiers: Orphanet 402082, MedGen C5190799.

Allele frequency attached by ClinVar (database versions not stated): ExAC 0.00001; gnomAD exomes 0.00001; TOPMed 0.00001; gnomAD 0.00002; ESP Exome Variant Server 0.00008.
gnomAD v4.1: 6 of 1,614,100 alleles (0.00037%); highest among the groups gnomAD compares: Non-Finnish European, 0.00051%; no homozygotes.

Submission:

Labcorp Genetics (formerly Invitae), Labcorp
Classification: Uncertain significance for Progressive myoclonic epilepsy type 5. Last evaluated: 2020-05-06. Review status: criteria provided, single submitter. Criteria: Invitae Variant Classification Sherloc (09022015). Collection method: clinical testing. Allele origin: germline.
Comment: In summary, the available evidence is currently insufficient to determine the role of this variant in disease. Therefore, it has been classified as a Variant of Uncertain Significance. Algorithms developed to predict the effect of missense changes on protein structure and function (SIFT, PolyPhen-2, Align-GVGD) all suggest that this variant is likely to be disruptive, but these predictions have not been confirmed by published functional studies and their clinical significance is uncertain. This variant has not been reported in the literature in individuals with PRICKLE2-related conditions. This variant is present in population databases (rs371055489, ExAC 0.001%). This sequence change replaces proline with leucine at codon 798 of the PRICKLE2 protein (p.Pro798Leu). The proline residue is highly conserved and there is a moderate physicochemical difference between proline and leucine.

NM_198859.4(PRICKLE2):c.2393C>T (p.Pro798Leu)

Genes: PRICKLE2-AS1 (PRICKLE2 antisense RNA 1; plus strand), PRICKLE2 (prickle planar cell polarity protein 2; minus strand). Cytogenetic location: 3p14.1.
Variant type: single nucleotide variant.
Coding change: c.2393C>T on transcript NM_198859.4 (MANE Select); coding-DNA position 2393, C replaced by T.
Protein change: p.Pro798Leu; replaces proline 798 with leucine.
Molecular consequence: missense variant. On other transcripts: non-coding transcript variant (1).
Genome position (GRCh38, 1-based): chr3:64,099,193, G>A on the plus strand (C>T on the coding strand, the complement: PRICKLE2 is on the minus strand). VCF-style: chr3-64099193-G-A. GRCh37 (hg19) VCF-style: chr3-64084869-G-A.
Other names: c.2393C>T, p.Pro798Leu (NM_001370528.1); short protein forms P798L.
Identifiers: ClinVar variation 1063513 (VCV001063513.5), dbSNP rs371055489, ClinGen allele CA2479445.